The following is an entry in ClinVar:

NM_152703.5(SAMD9L):c.4564C>G (p.Leu1522Val)

Gene: SAMD9L (sterile alpha motif domain containing 9 like; minus strand). Cytogenetic location: 7q21.2.
Variant type: single nucleotide variant.
Coding change: c.4564C>G on transcript NM_152703.5 (MANE Select); coding-DNA position 4564, C replaced by G.
Protein change: p.Leu1522Val; replaces leucine 1522 with valine.
Molecular consequence: missense variant.
Genome position (GRCh38, 1-based): chr7:93,131,408, G>C on the plus strand (C>G on the coding strand, the complement: SAMD9L is on the minus strand). VCF-style: chr7-93131408-G-C. GRCh37 (hg19) VCF-style: chr7-92760721-G-C.
Other names: c.4564C>G, p.Leu1522Val (NM_001303496.3, NM_001303497.3, NM_001303498.3 and 5 more transcripts); short protein forms L1522V.
Identifiers: ClinVar variation 4864037 (VCV004864037.1).

ClinVar aggregate classification (germline): Uncertain significance (1 of 4 stars; one submission).

Conditions:
Inborn genetic diseases. Identifiers: MedGen C0950123, MeSH D030342.

Submission:

Ambry Genetics
Classification: Uncertain significance for Inborn genetic diseases. Last evaluated: 2026-06-14. Review status: criteria provided, single submitter. Criteria: Ambry Variant Classification Scheme 2023. Collection method: clinical testing. Allele origin: germline.
Comment: The p.L1522V variant (also known as c.4564C>G), located in coding exon 1 of the SAMD9L gene, results from a C to G substitution at nucleotide position 4564. The leucine at codon 1522 is replaced by valine, an amino acid with highly similar properties. This amino acid position is conserved. In addition, the in silico prediction for this alteration is inconclusive. Based on the available evidence, the clinical significance of this variant remains unclear.